The following is an entry in ClinVar:

ClinVar aggregate classification (germline): Uncertain significance (1 of 4 stars; one submission).

Conditions:
Familial adenomatous polyposis 1 (FAP1). Also called: FAMILIAL ADENOMATOUS POLYPOSIS 1, ATTENUATED; POLYPOSIS, ADENOMATOUS INTESTINAL. Identifiers: MedGen C2713442, MONDO:0021056, OMIM 175100. Disease mechanism: loss of function.

Submission:

Labcorp Genetics (formerly Invitae), Labcorp
Classification: Uncertain significance for Familial adenomatous polyposis 1. Last evaluated: 2025-03-05. Review status: criteria provided, single submitter. Criteria: Invitae Variant Classification Sherloc (09022015). Collection method: clinical testing. Allele origin: germline.
Comment: This sequence change replaces cysteine, which is neutral and slightly polar, with tyrosine, which is neutral and polar, at codon 110 of the APC protein (p.Cys110Tyr). This variant is not present in population databases (gnomAD no frequency). This variant has not been reported in the literature in individuals affected with APC-related conditions. Invitae Evidence Modeling of protein sequence and biophysical properties (such as structural, functional, and spatial information, amino acid conservation, physicochemical variation, residue mobility, and thermodynamic stability) indicates that this missense variant is not expected to disrupt APC protein function with a negative predictive value of 95%. In summary, the available evidence is currently insufficient to determine the role of this variant in disease. Therefore, it has been classified as a Variant of Uncertain Significance.

NM_000038.6(APC):c.329G>A (p.Cys110Tyr)

Gene: APC (APC regulator of Wnt signaling pathway; plus strand). Cytogenetic location: 5q22.2.
Variant type: single nucleotide variant.
Coding change: c.329G>A on transcript NM_000038.6 (MANE Select); coding-DNA position 329, G replaced by A.
Protein change: p.Cys110Tyr; replaces cysteine 110 with tyrosine.
Molecular consequence: missense variant. On other transcripts: 5 prime UTR variant (4), non-coding transcript variant (2).
Genome position (GRCh38, 1-based): chr5:112,767,297, G>A. VCF-style: chr5-112767297-G-A. GRCh37 (hg19) VCF-style: chr5-112102994-G-A.
Other names: c.329G>A, p.Cys110Tyr (NM_001127510.3, NM_001354895.2, NM_001354896.2 and 16 more transcripts); c.359G>A, p.Cys120Tyr (NM_001127511.3, NM_001354897.2, NM_001354902.2 and 1 more transcripts); c.254G>A, p.Cys85Tyr (NM_001354898.2, NM_001354904.2, NM_001407451.1); c.152G>A, p.Cys51Tyr (NM_001354900.2, NM_001354901.2, NM_001354905.2 and 1 more transcripts); c.-707G>A (NM_001354906.2, NM_001407470.1, NM_001407471.1 and 1 more transcripts); short protein forms C110Y, C51Y, C120Y, C85Y.
Identifiers: ClinVar variation 4769313 (VCV004769313.1).